The following is an entry in ClinVar:

NM_000268.4(NF2):c.180G>A (p.Trp60Ter)

Gene: NF2 (NF2, moesin-ezrin-radixin like (MERLIN) tumor suppressor; plus strand). Cytogenetic location: 22q12.2.
Variant type: single nucleotide variant.
Coding change: c.180G>A on transcript NM_000268.4 (MANE Select); coding-DNA position 180, G replaced by A.
Protein change: p.Trp60Ter; replaces tryptophan 60 with a stop codon.
Molecular consequence: nonsense. On other transcripts: intron variant (3), non-coding transcript variant (1).
Genome position (GRCh38, 1-based): chr22:29,636,816, G>A. VCF-style: chr22-29636816-G-A. GRCh37 (hg19) VCF-style: chr22-30032805-G-A.
Other names: c.115-2274G>A (NM_181828.3); c.115-5386G>A (NM_181830.3, NM_181831.3); c.180G>A, p.Trp60Ter (NM_016418.5, NM_181825.3, NM_181829.3 and 2 more transcripts); short protein forms W60*.
Identifiers: ClinVar variation 492893 (VCV000492893.6), dbSNP rs780872661, ClinGen allele CA411152548.

ClinVar aggregate classification (germline): Pathogenic. Review status: criteria provided, single submitter (1 of 4 stars). 2 submissions from 2 submitters: Pathogenic (1). 1 of the submissions does not count toward it. Last evaluated 2022-06-23.

Conditions:
Neurofibromatosis, type 2 (SWNV). Also called: SCHWANNOMATOSIS, VESTIBULAR; BILATERAL ACOUSTIC NEUROFIBROMATOSIS; NF2-Related Schwannomatosis. Identifiers: Orphanet 637, MedGen C0027832, MONDO:0007039, OMIM 101000. Disease mechanism: loss of function.

Submissions (2):

Labcorp Genetics (formerly Invitae), Labcorp
Classification: Pathogenic for Neurofibromatosis, type 2. Last evaluated: 2022-06-23. Review status: criteria provided, single submitter. Criteria: Invitae Variant Classification Sherloc (09022015). Collection method: clinical testing. Allele origin: germline.
Comment: Algorithms developed to predict the effect of sequence changes on RNA splicing suggest that this variant may disrupt the consensus splice site. ClinVar contains an entry for this variant (Variation ID: 492893). This premature translational stop signal has been observed in individual(s) with vestibular schwannoma (PMID: 8012353). This variant is not present in population databases (gnomAD no frequency). This sequence change creates a premature translational stop signal (p.Trp60*) in the NF2 gene. It is expected to result in an absent or disrupted protein product. Loss-of-function variants in NF2 are known to be pathogenic (PMID: 9643284, 16983642). For these reasons, this variant has been classified as Pathogenic.

Clinical Molecular Genetics Laboratory, Johns Hopkins All Children's Hospital
Classification: Pathogenic for Neurofibromatosis, type 2. Last evaluated: 2016-09-29. Review status: no assertion criteria provided. Collection method: clinical testing. Allele origin: germline. Affected: yes. Not counted in ClinVar's aggregate classification.

Literature cited by the submitters: PubMed 8012353 (cited by Labcorp Genetics (formerly Invitae), Labcorp); PubMed 9643284 (cited by Labcorp Genetics (formerly Invitae), Labcorp); PubMed 16983642 (cited by Labcorp Genetics (formerly Invitae), Labcorp).